The following is an entry in ClinVar:

ClinVar aggregate classification (germline): Uncertain significance (1 of 4 stars; one submission).

Conditions:
Polycystic kidney disease, adult type (PKD1). Also called: POLYCYSTIC KIDNEY DISEASE 1 WITH OR WITHOUT POLYCYSTIC LIVER DISEASE; POLYCYSTIC KIDNEY DISEASE, ADULT, TYPE I; Polycystic Kidney Disease 1, Autosomal Dominant; Polycystic kidney disease 1; Polycystic kidney disease 1, severe; Polycystic Kidney, Autosomal Dominant. Identifiers: MedGen C3149841, MONDO:0008263, OMIM 173900.

Submission:

Juno Genomics, Hangzhou Juno Genomics, Inc
Classification: Uncertain significance for Polycystic kidney disease, adult type. Review status: criteria provided, single submitter. Criteria: ACMG Guidelines, 2015. Collection method: clinical testing. Allele origin: germline. Affected: yes.
Comment: Absent from controls (or at extremely low frequency if recessive) in Genome Aggregation Database.;Protein length changes due to in-frame deletions/insertions in a non-repeat region or stop-loss variants.;Patient's phenotype or family history is highly specific for a disease with a single genetic etiology.

NM_001009944.3(PKD1):c.4793_4796delinsT (p.Ser1598_Tyr1599delinsPhe)

Gene: PKD1 (polycystin 1, transient receptor potential channel interacting; minus strand). Cytogenetic location: 16p13.3.
Variant type: Indel.
Coding change: c.4793_4796delinsT on transcript NM_001009944.3 (MANE Select); coding-DNA positions 4793 to 4796, CTTA replaced by T.
Protein change: p.Ser1598_Tyr1599delinsPhe.
Molecular consequence: inframe indel.
Genome position (GRCh38, 1-based): chr16:2,110,371-2,110,374, TAAG replaced by A on the plus strand (CTTA replaced by T on the coding strand, the reverse complement: PKD1 is on the minus strand). VCF-style: chr16-2110371-TAAG-A. GRCh37 (hg19) VCF-style: chr16-2160372-TAAG-A.
Other names: c.4793_4796delinsT, p.Ser1598_Tyr1599delinsPhe (NM_000296.4).
Identifiers: ClinVar variation 5018927 (VCV005018927.1).